The following is an entry in ClinVar:

NM_001206927.2(DNAH8):c.12567A>C (p.Glu4189Asp)

Gene: DNAH8 (dynein axonemal heavy chain 8; plus strand). Cytogenetic location: 6p21.2.
Variant type: single nucleotide variant.
Coding change: c.12567A>C on transcript NM_001206927.2 (MANE Select); coding-DNA position 12567, A replaced by C.
Protein change: p.Glu4189Asp; replaces glutamic acid 4189 with aspartic acid.
Molecular consequence: missense variant.
Genome position (GRCh38, 1-based): chr6:38,973,702, A>C. VCF-style: chr6-38973702-A-C. GRCh37 (hg19) VCF-style: chr6-38941478-A-C.
Other names: c.11916A>C, p.Glu3972Asp (NM_001371.4); short protein forms E4189D, E3972D.
Identifiers: ClinVar variation 414390 (VCV000414390.14), dbSNP rs61757618, ClinGen allele CA3791401.
Genomic context (GRCh38, chr6:38,973,702, plus strand): 5'-AACTTATTTTTGGATACAGGGTGGTTGGGTATTACTACAAAATTGCCACCTTGGCCTGGA[A>C]TTCATGGAAGAATTACTAGAGACGCTAATTACCACTGAAGCCAGTGATGATTCTTTCCGA-3'
Protein context (NP_001193856.1, residues 4179-4199): VLLQNCHLGL[Glu4189Asp]FMEELLETLI

ClinVar aggregate classification (germline): Benign. Review status: criteria provided, single submitter (1 of 4 stars). 2 submissions from 2 submitters: Benign (1). 1 of the submissions does not count toward it. Last evaluated 2026-01-18.

Conditions:
DNAH8-related disorder. Also called: DNAH8-related condition.
Primary ciliary dyskinesia. Also called: Ciliary dyskinesia. Identifiers: Orphanet 244, MedGen C0008780, MONDO:0016575, HP:0012265.

Allele frequency attached by ClinVar (database versions not stated): TOPMed 0.00351; ESP Exome Variant Server 0.00354; 1000 Genomes Project 0.00419; 1000 Genomes Project 30x 0.00422; gnomAD exomes 0.00027 and 0.00083; ExAC 0.00107; gnomAD 0.00299 and 0.00314.
gnomAD v4.1: 852 of 1,607,608 alleles (0.053%); highest among the groups gnomAD compares: African/African-American, 1%; 3 homozygotes.

Submissions (2):

Labcorp Genetics (formerly Invitae), Labcorp
Classification: Benign for Primary ciliary dyskinesia. Last evaluated: 2026-01-18. Review status: criteria provided, single submitter. Criteria: Invitae Variant Classification Sherloc (09022015). Collection method: clinical testing. Allele origin: germline.

PreventionGenetics, part of Exact Sciences
Classification: Likely benign for DNAH8-related condition. Last evaluated: 2020-01-27. Review status: no assertion criteria provided. Collection method: clinical testing. Allele origin: germline. Not counted in ClinVar's aggregate classification.
Comment: This variant is classified as likely benign based on ACMG/AMP sequence variant interpretation guidelines (Richards et al. 2015 PMID: 25741868, with internal and published modifications).